The following is an entry in ClinVar:

ClinVar aggregate classification (germline): Likely benign (1 of 4 stars; one submission).

Conditions:
GNAS-related disorder. Identifiers: MedGen CN380105.

gnomAD v4.1: 4 of 1,611,584 alleles (0.00025%); highest among the groups gnomAD compares: Non-Finnish European, 0.00034%; no homozygotes.

Submission:

PreventionGenetics, part of Exact Sciences
Classification: Likely benign for GNAS-related condition. Last evaluated: 2025-09-16. Review status: criteria provided, single submitter. Criteria: ACMG Guidelines, 2015. Collection method: clinical testing. Allele origin: germline.
Comment: This variant is classified as likely benign based on ACMG/AMP sequence variant interpretation guidelines (Richards et al. 2015 PMID: 25741868, with internal and published modifications).

NM_016592.5(GNAS):c.33C>T (p.Arg11=)

Genes: GNAS (GNAS complex locus; plus strand), GNAS-AS1 (GNAS antisense RNA 1; minus strand). Cytogenetic location: 20q13.32.
Variant type: single nucleotide variant.
Coding change: c.33C>T on transcript NM_016592.5 (MANE Plus Clinical); coding-DNA position 33, C replaced by T.
Protein change: p.Arg11=; no amino-acid change (arginine 11 retained).
Molecular consequence: synonymous variant. On other transcripts: 5 prime UTR variant (1).
Genome position (GRCh38, 1-based): chr20:58,840,139, C>T. VCF-style: chr20-58840139-C-T. GRCh37 (hg19) VCF-style: chr20-57415194-C-T.
Other names: c.-705C>T (NM_001410912.1).
Identifiers: ClinVar variation 4986197 (VCV004986197.1).